The following is an entry in ClinVar:

ClinVar aggregate classification (germline): Uncertain significance (1 of 4 stars; one submission).

Conditions:
Zellweger spectrum disorders (ZS). Also called: Zellweger Spectrum Disorder; Zellweger Spectrum; Zellweger Spectrum Disorder (ZSD); Zellweger syndrome. Identifiers: Orphanet 912, MedGen C0043459, MONDO:0019609.

Submission:

Labcorp Genetics (formerly Invitae), Labcorp
Classification: Uncertain significance for Zellweger spectrum disorders. Last evaluated: 2022-10-13. Review status: criteria provided, single submitter. Criteria: Invitae Variant Classification Sherloc (09022015). Collection method: clinical testing. Allele origin: germline.
Comment: This sequence change replaces tyrosine, which is neutral and polar, with asparagine, which is neutral and polar, at codon 880 of the PEX1 protein (p.Tyr880Asn). This variant has not been reported in the literature in individuals affected with PEX1-related conditions. This variant is not present in population databases (gnomAD no frequency). In summary, the available evidence is currently insufficient to determine the role of this variant in disease. Therefore, it has been classified as a Variant of Uncertain Significance. Advanced modeling of protein sequence and biophysical properties (such as structural, functional, and spatial information, amino acid conservation, physicochemical variation, residue mobility, and thermodynamic stability) performed at Invitae indicates that this missense variant is expected to disrupt PEX1 protein function.

NM_000466.3(PEX1):c.2638T>A (p.Tyr880Asn)

Gene: PEX1 (peroxisomal biogenesis factor 1; minus strand). Cytogenetic location: 7q21.2.
Variant type: single nucleotide variant.
Coding change: c.2638T>A on transcript NM_000466.3 (MANE Select); coding-DNA position 2638, T replaced by A.
Protein change: p.Tyr880Asn; replaces tyrosine 880 with asparagine.
Molecular consequence: missense variant.
Genome position (GRCh38, 1-based): chr7:92,499,784, A>T on the plus strand (T>A on the coding strand, the complement: PEX1 is on the minus strand). VCF-style: chr7-92499784-A-T. GRCh37 (hg19) VCF-style: chr7-92129098-A-T.
Other names: c.2467T>A, p.Tyr823Asn (NM_001282677.2); c.2014T>A, p.Tyr672Asn (NM_001282678.2); short protein forms Y880N, Y823N, Y672N.
Identifiers: ClinVar variation 2172794 (VCV002172794.4), dbSNP rs2484655369, ClinGen allele CA368173924.
Genomic context (GRCh38, chr7:92,499,784, plus strand): 5'-TTCTACTCTCTCGTGCAATTACCCCAGCTAGTAAGGTTTTTCCTGTTCCAGGCGGACCAT[A>T]CAACAGTATTCCTGTTCTTTGTCGTATGGGCAAGTTTGCAAATAATTCTGGATACTGAGA-3'
Protein context (NP_000457.1, residues 870-890): PIRQRTGILL[Tyr880Asn]GPPGTGKTLL